The following is an entry in ClinVar:

ClinVar aggregate classification (germline): Conflicting classifications of pathogenicity. Review status: criteria provided, conflicting classifications (1 of 4 stars). 2 submissions from 2 submitters: Uncertain significance (1); Likely benign (1). Last evaluated 2026-07-01.

Conditions:
Tolchin-Le Caignec syndrome. Also called: INTELLECTUAL DEVELOPMENTAL DISORDER WITH BEHAVIORAL ABNORMALITIES AND VARIABLE BONE DEFECTS. Identifiers: MedGen C5436509, MONDO:0033544, OMIM 618971.

gnomAD v4.1: 161 of 1,611,224 alleles (0.01%); highest among the groups gnomAD compares: South Asian, 0.16%; no homozygotes.

Submissions (2):

CeGaT Center for Human Genetics Tuebingen
Classification: Likely benign. Last evaluated: 2026-07-01. Review status: criteria provided, single submitter. Criteria: CeGaT Center For Human Genetics Tuebingen Variant Classification Criteria Version 2. Collection method: clinical testing. Allele origin: germline. Affected: yes. Observed: 1 variant allele.
Comment: SOX6: BS1

Genetics and Genomic Medicine Centre, NeuroGen Healthcare, NeuroGen Healthcare
Classification: Uncertain significance for Tolchin-Le Caignec syndrome. Last evaluated: 2025-12-22. Review status: criteria provided, single submitter. Criteria: ACMG Guidelines, 2015. Collection method: clinical testing. Allele origin: unknown. Affected: yes.

NM_001367873.1(SOX6):c.928T>A (p.Ser310Thr)

Gene: SOX6 (SRY-box transcription factor 6; minus strand). Cytogenetic location: 11p15.2.
Variant type: single nucleotide variant.
Coding change: c.928T>A on transcript NM_001367873.1 (MANE Select); coding-DNA position 928, T replaced by A.
Protein change: p.Ser310Thr; replaces serine 310 with threonine.
Molecular consequence: missense variant.
Genome position (GRCh38, 1-based): chr11:16,097,659, A>T on the plus strand (T>A on the coding strand, the complement: SOX6 is on the minus strand). VCF-style: chr11-16097659-A-T. GRCh37 (hg19) VCF-style: chr11-16119205-A-T.
Other names: c.928T>A, p.Ser310Thr (NM_001145811.2, NM_001145819.2, NM_001367872.1 and 2 more transcripts); short protein forms S310T.
Identifiers: ClinVar variation 4852926 (VCV004852926.2).